The following is an entry in ClinVar:

NM_021614.4(KCNN2):c.1970A>G (p.His657Arg)

Genes: KCNN2 (potassium calcium-activated channel subfamily N member 2; plus strand), LOC101927078 (uncharacterized LOC101927078; minus strand). Cytogenetic location: 5q22.3.
Variant type: single nucleotide variant.
Coding change: c.1970A>G on transcript NM_021614.4 (MANE Select); coding-DNA position 1970, A replaced by G.
Protein change: p.His657Arg; replaces histidine 657 with arginine.
Molecular consequence: missense variant. On other transcripts: non-coding transcript variant (2).
Genome position (GRCh38, 1-based): chr5:114,487,129, A>G. VCF-style: chr5-114487129-A-G. GRCh37 (hg19) VCF-style: chr5-113822826-A-G.
Other names: c.2168A>G, p.His723Arg (NM_001372233.1); c.290A>G, p.His97Arg (NM_170775.3); short protein forms H657R, H723R, H97R.
Identifiers: ClinVar variation 1705549 (VCV001705549.1), dbSNP rs2531615352, ClinGen allele CA360706005.

ClinVar aggregate classification (germline): Uncertain significance (1 of 4 stars; one submission).

Conditions:
Neurodevelopmental disorder with or without variable movement or behavioral abnormalities (NEDMAB). Identifiers: MedGen C5676908, MONDO:0859225, OMIM 619725.

Submission:

3billion
Classification: Uncertain significance for Neurodevelopmental disorder with or without variable movement or behavioral abnormalities. Last evaluated: 2022-09-01. Review status: criteria provided, single submitter. Criteria: ACMG Guidelines, 2015. Collection method: clinical testing. Allele origin: germline. Affected: yes. Observed: 1 heterozygote.
Comment: The variant is not observed in the gnomAD v2.1.1 dataset. In silico tool predictions suggest damaging effect of the variant on gene or gene product (REVEL: 0.68). Therefore, this variant is classified as uncertain significance according to the recommendation of ACMG/AMP guideline.